The following is an entry in ClinVar:

ClinVar aggregate classification (germline): Uncertain significance. Review status: criteria provided, multiple submitters, no conflicts (2 of 4 stars). 3 submissions from 3 submitters: Uncertain significance (3). Last evaluated 2025-08-30.

Conditions:
Inborn genetic diseases. Identifiers: MedGen C0950123, MeSH D030342.

Allele frequency attached by ClinVar (database versions not stated): gnomAD exomes below 0.00001; gnomAD 0.00001; TOPMed 0.00001.
gnomAD v4.1: 2 of 1,607,396 alleles (0.00012%); highest among the groups gnomAD compares: Admixed American, 0.0034%; no homozygotes.

Submissions (3):

Ambry Genetics
Classification: Uncertain significance for Inborn genetic diseases. Last evaluated: 2025-08-30. Review status: criteria provided, single submitter. Criteria: Ambry Variant Classification Scheme 2023. Collection method: clinical testing. Allele origin: germline.

Women's Health and Genetics/Laboratory Corporation of America, LabCorp
Classification: Uncertain significance. Last evaluated: 2024-04-04. Review status: criteria provided, single submitter. Criteria: LabCorp Variant Classification Summary - May 2015. Collection method: clinical testing. Allele origin: germline.
Comment: Variant summary: CREB3L1 c.1449T>A (p.Ser483Arg) results in a non-conservative amino acid change in the encoded protein sequence. Four of five in-silico tools predict a benign effect of the variant on protein function. The variant allele was found at a frequency of 4.2e-06 in 235538 control chromosomes (gnomAD). The available data on variant occurrences in the general population are insufficient to allow any conclusion about variant significance. To our knowledge, no occurrence of c.1449T>A in individuals affected with Osteogenesis Imperfecta Type 16 and no experimental evidence demonstrating its impact on protein function have been reported. ClinVar contains an entry for this variant (Variation ID: 1410910). Based on the evidence outlined above, the variant was classified as uncertain significance.

Labcorp Genetics (formerly Invitae), Labcorp
Classification: Uncertain significance. Last evaluated: 2021-10-07. Review status: criteria provided, single submitter. Criteria: Invitae Variant Classification Sherloc (09022015). Collection method: clinical testing. Allele origin: germline.
Comment: This sequence change replaces serine with arginine at codon 483 of the CREB3L1 protein (p.Ser483Arg). The serine residue is moderately conserved and there is a moderate physicochemical difference between serine and arginine. This variant is not present in population databases (ExAC no frequency). This variant has not been reported in the literature in individuals affected with CREB3L1-related conditions. Algorithms developed to predict the effect of missense changes on protein structure and function output the following: SIFT: "Tolerated"; PolyPhen-2: "Benign"; Align-GVGD: "Class C0". The arginine amino acid residue is found in multiple mammalian species, which suggests that this missense change does not adversely affect protein function. In summary, the available evidence is currently insufficient to determine the role of this variant in disease. Therefore, it has been classified as a Variant of Uncertain Significance.

NM_052854.4(CREB3L1):c.1449T>A (p.Ser483Arg)

Gene: CREB3L1 (cAMP responsive element binding protein 3 like 1; plus strand). Cytogenetic location: 11p11.2.
Variant type: single nucleotide variant.
Coding change: c.1449T>A on transcript NM_052854.4 (MANE Select); coding-DNA position 1449, T replaced by A.
Protein change: p.Ser483Arg; replaces serine 483 with arginine.
Molecular consequence: missense variant.
Genome position (GRCh38, 1-based): chr11:46,320,454, T>A. VCF-style: chr11-46320454-T-A. GRCh37 (hg19) VCF-style: chr11-46342005-T-A.
Other names: c.1449T>A (NM_052854.2); short protein forms S483R.
Identifiers: ClinVar variation 1410910 (VCV001410910.7), dbSNP rs1187421373, ClinGen allele CA380226292.
Genomic context (GRCh38, chr11:46,320,454, plus strand): 5'-CCGGGACCACCTGCAGCATGATCACCTGGACAGCACCCACGAGACCACCAAGTACCTGAG[T>A]GAGGCCTGGCCTAAAGACGGTGGAAACGGCACCAGCCCCGACTTCTCCCACTCCAAGGAG-3'
Protein context (NP_443086.1, residues 473-493): DSTHETTKYL[Ser483Arg]EAWPKDGGNG